The following is an entry in ClinVar:

ClinVar aggregate classification (germline): Benign. Review status: criteria provided, single submitter (1 of 4 stars). 4 submissions from 4 submitters: Benign (1). 3 of the submissions do not count toward it. Last evaluated 2026-02-03.

Conditions:
CALR3-related disorder. Also called: CALR3-related condition.
Hypertrophic cardiomyopathy 19. Also called: Familial hypertrophic cardiomyopathy 19. Identifiers: MedGen CN077603, MONDO:0013476.

Allele frequency attached by ClinVar (database versions not stated): gnomAD exomes 0.00010 and 0.00019; 1000 Genomes Project 0.00020; ExAC 0.00021; 1000 Genomes Project 30x 0.00031; gnomAD 0.00001 and 0.00004; TOPMed 0.00003; ESP Exome Variant Server 0.00008.
gnomAD v4.1: 152 of 1,613,950 alleles (0.0094%); highest among the groups gnomAD compares: South Asian, 0.12%; 1 homozygote.

Submissions (4):

Labcorp Genetics (formerly Invitae), Labcorp
Classification: Benign for Hypertrophic cardiomyopathy 19. Last evaluated: 2026-02-03. Review status: criteria provided, single submitter. Criteria: Invitae Variant Classification Sherloc (09022015). Collection method: clinical testing. Allele origin: germline.

PreventionGenetics, part of Exact Sciences
Classification: Likely benign for CALR3-related condition. Last evaluated: 2021-02-09. Review status: no assertion criteria provided. Collection method: clinical testing. Allele origin: germline. Not counted in ClinVar's aggregate classification.
Comment: This variant is classified as likely benign based on ACMG/AMP sequence variant interpretation guidelines (Richards et al. 2015 PMID: 25741868, with internal and published modifications).

Clinical Genetics DNA and cytogenetics Diagnostics Lab, Erasmus MC, Erasmus Medical Center
Classification: Likely benign. Review status: no assertion criteria provided. Collection method: clinical testing. Allele origin: germline. Affected: yes. Study: VKGL Data-share Consensus. Not counted in ClinVar's aggregate classification.

Clinical Genetics, Academic Medical Center
Classification: Benign. Review status: no assertion criteria provided. Collection method: clinical testing. Allele origin: germline. Affected: yes. Study: VKGL Data-share Consensus. Not counted in ClinVar's aggregate classification.

NM_145046.5(CALR3):c.96T>C (p.His32=)

Gene: CALR3 (calreticulin 3; minus strand). Cytogenetic location: 19p13.11.
Variant type: single nucleotide variant.
Coding change: c.96T>C on transcript NM_145046.5 (MANE Select); coding-DNA position 96, T replaced by C.
Protein change: p.His32=; no amino-acid change (histidine 32 retained).
Molecular consequence: synonymous variant.
Genome position (GRCh38, 1-based): chr19:16,495,848, A>G on the plus strand (T>C on the coding strand, the complement: CALR3 is on the minus strand). VCF-style: chr19-16495848-A-G. GRCh37 (hg19) VCF-style: chr19-16606659-A-G.
Identifiers: ClinVar variation 471797 (VCV000471797.14), dbSNP rs144355944, ClinGen allele CA9278509.